The following is an entry in ClinVar:

NM_001286445.3(RIPOR2):c.2284A>G (p.Met762Val)

Gene: RIPOR2 (RHO family interacting cell polarization regulator 2; minus strand). Cytogenetic location: 6p22.3.
Variant type: single nucleotide variant.
Coding change: c.2284A>G on transcript NM_001286445.3 (MANE Select); coding-DNA position 2284, A replaced by G.
Protein change: p.Met762Val; replaces methionine 762 with valine.
Molecular consequence: missense variant.
Genome position (GRCh38, 1-based): chr6:24,832,316, T>C on the plus strand (A>G on the coding strand, the complement: RIPOR2 is on the minus strand). VCF-style: chr6-24832316-T-C. GRCh37 (hg19) VCF-style: chr6-24832544-T-C.
Other names: c.2197A>G, p.Met733Val (NM_001346031.2, NM_001346032.2); c.2347A>G, p.Met783Val (NM_014722.5); short protein forms M733V, M762V, M783V.
Identifiers: ClinVar variation 666747 (VCV000666747.4), dbSNP rs1295551353, ClinGen allele CA362991024.

ClinVar aggregate classification (germline): Likely benign (1 of 4 stars; one submission).

Allele frequency attached by ClinVar (database versions not stated): gnomAD exomes below 0.00001.
gnomAD v4.1: 2 of 1,551,944 alleles (0.00013%); highest among the groups gnomAD compares: Non-Finnish European, 0.00017%; no homozygotes.

Submission:

Laboratory for Molecular Medicine, Mass General Brigham Personalized Medicine
Classification: Likely benign. Last evaluated: 2018-08-02. Review status: criteria provided, single submitter. Criteria: LMM Criteria. Collection method: clinical testing. Allele origin: germline. Observed: 1 variant allele.
Comment: The p.Met783Val variant in RIPOR2 is classified as likely benign due to a lack o f conservation across species, including mammals. Of note, 10 different species have a valine at this position despite high nearby amino acid conservation. In a ddition, computational prediction tools do not suggest a high likelihood of impa ct to the protein. ACMG/AMP Criteria applied: BP4_Strong.